The following is an entry in ClinVar:

NM_002691.4(POLD1):c.2312C>A (p.Ala771Glu)

Gene: POLD1 (DNA polymerase delta 1, catalytic subunit; plus strand). Cytogenetic location: 19q13.33.
Variant type: single nucleotide variant.
Coding change: c.2312C>A on transcript NM_002691.4 (MANE Select); coding-DNA position 2312, C replaced by A.
Protein change: p.Ala771Glu; replaces alanine 771 with glutamic acid.
Molecular consequence: missense variant. On other transcripts: non-coding transcript variant (1).
Genome position (GRCh38, 1-based): chr19:50,413,803, C>A. VCF-style: chr19-50413803-C-A. GRCh37 (hg19) VCF-style: chr19-50917060-C-A.
Other names: c.2312C>A, p.Ala771Glu (NM_001256849.1); c.2390C>A, p.Ala797Glu (NM_001308632.1); short protein forms A771E, A797E.
Identifiers: ClinVar variation 3702534 (VCV003702534.2).

ClinVar aggregate classification (germline): Uncertain significance (1 of 4 stars; one submission).

Conditions:
POLD1-related polyposis and colorectal cancer syndrome (CRCS10). Also called: Colorectal cancer 10; COLORECTAL CANCER, SUSCEPTIBILITY TO, ON CHROMOSOME 19q; Colorectal cancer, susceptibility to, 10. Identifiers: Orphanet 220460, MedGen C2675481, MONDO:0012953, OMIM 612591.

Submission:

Labcorp Genetics (formerly Invitae), Labcorp
Classification: Uncertain significance for POLD1-related polyposis and colorectal cancer syndrome. Last evaluated: 2024-11-07. Review status: criteria provided, single submitter. Criteria: Invitae Variant Classification Sherloc (09022015). Collection method: clinical testing. Allele origin: germline.
Comment: This sequence change replaces alanine, which is neutral and non-polar, with glutamic acid, which is acidic and polar, at codon 771 of the POLD1 protein (p.Ala771Glu). This variant is not present in population databases (gnomAD no frequency). This variant has not been reported in the literature in individuals affected with POLD1-related conditions. Invitae Evidence Modeling of protein sequence and biophysical properties (such as structural, functional, and spatial information, amino acid conservation, physicochemical variation, residue mobility, and thermodynamic stability) indicates that this missense variant is expected to disrupt POLD1 protein function with a positive predictive value of 80%. In summary, the available evidence is currently insufficient to determine the role of this variant in disease. Therefore, it has been classified as a Variant of Uncertain Significance.